The following is an entry in ClinVar:

NM_032581.4(HYCC1):c.-29+3G>A

Gene: HYCC1 (hyccin PI4KA lipid kinase complex subunit 1; minus strand). Cytogenetic location: 7p15.3.
Variant type: single nucleotide variant.
Coding change: c.-29+3G>A on transcript NM_032581.4 (MANE Select); 3 bases into the intron after 29 bases upstream of the start codon, G replaced by A.
Molecular consequence: intron variant.
Genome position (GRCh38, 1-based): chr7:23,013,922, C>T on the plus strand (G>A on the coding strand, the complement: HYCC1 is on the minus strand). VCF-style: chr7-23013922-C-T. GRCh37 (hg19) VCF-style: chr7-23053541-C-T.
Other names: c.-29+3G>A (NM_001363467.2, NM_001363466.2).
Identifiers: ClinVar variation 4853797 (VCV004853797.1).

ClinVar aggregate classification (germline): Uncertain significance (1 of 4 stars; one submission).

gnomAD v4.1: 17 of 469,288 alleles (0.0036%); highest among the groups gnomAD compares: African/African-American, 0.028%; no homozygotes.

Submission:

Women's Health and Genetics/Laboratory Corporation of America, LabCorp
Classification: Uncertain significance. Last evaluated: 2026-05-19. Review status: criteria provided, single submitter. Criteria: LabCorp Variant Classification Summary - May 2015. Collection method: clinical testing. Allele origin: germline.
Comment: Variant summary: HYCC1 c.-29+3G>A is located in the untranscribed region upstream of the HYCC1 gene region. Consensus agreement among computation tools predict no significant impact on normal splicing. However, these predictions have yet to be confirmed by functional studies. The variant allele was found at a frequency of 3.4e-05 in 178296 control chromosomes (gnomAD). The available data on variant occurrences in the general population are insufficient to allow any conclusion about variant significance. To our knowledge, no occurrence of c.-29+3G>A in individuals affected with HYCC1-related conditions and no experimental evidence demonstrating its impact on protein function have been reported. No submitters have cited clinical-significance assessments for this variant to ClinVar. Based on the evidence outlined above, the variant was classified as uncertain significance.